The following is an entry in ClinVar:

NM_006899.5(IDH3B):c.1117A>G (p.Ile373Val)

Gene: IDH3B (isocitrate dehydrogenase (NAD(+)) 3 non-catalytic subunit beta; minus strand). Cytogenetic location: 20p13.
Variant type: single nucleotide variant.
Coding change: c.1117A>G on transcript NM_006899.5 (MANE Select); coding-DNA position 1117, A replaced by G.
Protein change: p.Ile373Val; replaces isoleucine 373 with valine.
Molecular consequence: missense variant. On other transcripts: non-coding transcript variant (1), intron variant (1).
Genome position (GRCh38, 1-based): chr20:2,658,792, T>C on the plus strand (A>G on the coding strand, the complement: IDH3B is on the minus strand). VCF-style: chr20-2658792-T-C. GRCh37 (hg19) VCF-style: chr20-2639438-T-C.
Other names: c.1117A>G, p.Ile373Val (NM_001330763.2); c.1072-270A>G (NM_174855.4); short protein forms I373V.
Identifiers: ClinVar variation 1353646 (VCV001353646.6), dbSNP rs1454123316, ClinGen allele CA408032477.

ClinVar aggregate classification (germline): Uncertain significance (1 of 4 stars; one submission).

Allele frequency attached by ClinVar (database versions not stated): gnomAD exomes below 0.00001.
gnomAD v4.1: 1 of 1,614,112 alleles (0.000062%); highest among the groups gnomAD compares: Non-Finnish European, 0.000085%; no homozygotes.

Submission:

Labcorp Genetics (formerly Invitae), Labcorp
Classification: Uncertain significance. Last evaluated: 2022-07-24. Review status: criteria provided, single submitter. Criteria: Invitae Variant Classification Sherloc (09022015). Collection method: clinical testing. Allele origin: germline.
Comment: This variant has not been reported in the literature in individuals affected with IDH3B-related conditions. This variant is present in population databases (no rsID available, gnomAD 0.0009%). This sequence change replaces isoleucine, which is neutral and non-polar, with valine, which is neutral and non-polar, at codon 373 of the IDH3B protein (p.Ile373Val). In summary, the available evidence is currently insufficient to determine the role of this variant in disease. Therefore, it has been classified as a Variant of Uncertain Significance. Algorithms developed to predict the effect of missense changes on protein structure and function are either unavailable or do not agree on the potential impact of this missense change (SIFT: "Not Available"; PolyPhen-2: "Benign"; Align-GVGD: "Not Available"). ClinVar contains an entry for this variant (Variation ID: 1353646).